The following is an entry in ClinVar:

ClinVar aggregate classification (germline): Pathogenic. Review status: criteria provided, multiple submitters, no conflicts (2 of 4 stars). 4 submissions from 4 submitters: Pathogenic (4). Last evaluated 2026-01-20.

Conditions:
Familial hypokalemia-hypomagnesemia (GTLMNS). Also called: gitelman syndrome; HYPOMAGNESEMIA-HYPOKALEMIA, PRIMARY RENOTUBULAR, WITH HYPOCALCIURIA; POTASSIUM AND MAGNESIUM DEPLETION. Identifiers: Orphanet 358, MedGen C0268450, MONDO:0009904, OMIM 263800.
SLC12A3-related disorder. Also called: SLC12A3-related condition.

Allele frequency attached by ClinVar (database versions not stated): gnomAD exomes below 0.00001 and 0.00001; ExAC 0.00001; gnomAD 0.00001; TOPMed 0.00002.
gnomAD v4.1: 8 of 1,614,102 alleles (0.0005%); highest among the groups gnomAD compares: Non-Finnish European, 0.00068%; no homozygotes.

Submissions (4):

Natera, Inc.
Classification: Pathogenic for Gitelman syndrome. Last evaluated: 2026-01-20. Review status: criteria provided, single submitter. Criteria: Natera Variant Classification Schema (03/2026). Collection method: clinical testing. Allele origin: germline.
Comment: The c.3077C>T variant in SLC12A3 is a missense variant predicted to cause substitution of threonine to isoleucine at amino acid 1026. This variant is rare in the general population with a frequency below the threshold expected for the associated phenotype(s). This variant has been observed in one or more individuals affected with the associated recessive disease, as either homozygous or compound heterozygous with a second variant (PMID: 21415153, 11168953, 18391953). Computational prediction algorithms indicate this variant is likely to affect gene or protein function. Given the available evidence, this variant is classified as Pathogenic.

Labcorp Genetics (formerly Invitae), Labcorp
Classification: Pathogenic. Last evaluated: 2025-12-28. Review status: criteria provided, single submitter. Criteria: Invitae Variant Classification Sherloc (09022015). Collection method: clinical testing. Allele origin: germline.
Comment: This sequence change replaces threonine, which is neutral and polar, with isoleucine, which is neutral and non-polar, at codon 1026 of the SLC12A3 protein (p.Thr1026Ile). This variant is present in population databases (rs769248531, gnomAD 0.002%). This missense change has been observed in individuals with Gitelman syndrome (PMID: 18391953, 21415153). ClinVar contains an entry for this variant (Variation ID: 1458246). Invitae Evidence Modeling of protein sequence and biophysical properties (such as structural, functional, and spatial information, amino acid conservation, physicochemical variation, residue mobility, and thermodynamic stability) indicates that this missense variant is expected to disrupt SLC12A3 protein function with a positive predictive value of 95%. For these reasons, this variant has been classified as Pathogenic.

Fulgent Genetics
Classification: Pathogenic for Familial hypokalemia-hypomagnesemia. Last evaluated: 2024-03-06. Review status: criteria provided, single submitter. Criteria: ACMG Guidelines, 2015. Collection method: clinical testing. Allele origin: germline.

Blueprint Genetics
Classification: Pathogenic for SLC12A3-related disorders. Last evaluated: 2019-01-02. Review status: criteria provided, single submitter. Criteria: ACMG Guidelines, 2015. Collection method: clinical testing. Allele origin: germline. Affected: yes. Observed: 1 variant allele.

Literature cited by the submitters: PubMed 21415153 (cited by Natera, Inc. and Labcorp Genetics (formerly Invitae), Labcorp); PubMed 11168953 (cited by Natera, Inc.); PubMed 18391953 (cited by Natera, Inc. and Labcorp Genetics (formerly Invitae), Labcorp).

NM_001126108.2(SLC12A3):c.3050C>T (p.Thr1017Ile)

Genes: SLC12A3 (solute carrier family 12 member 3; plus strand), LOC126862361 (CDK7 strongly-dependent group 2 enhancer GRCh37_chr16:56946332-56947531; plus strand). Cytogenetic location: 16q13.
Variant type: single nucleotide variant.
Coding change: c.3050C>T on transcript NM_001126108.2 (MANE Select); coding-DNA position 3050, C replaced by T.
Protein change: p.Thr1017Ile; replaces threonine 1017 with isoleucine.
Molecular consequence: missense variant.
Genome position (GRCh38, 1-based): chr16:56,913,389, C>T. VCF-style: chr16-56913389-C-T. GRCh37 (hg19) VCF-style: chr16-56947301-C-T.
Other names: c.3077C>T (NM_000339.2); c.3077C>T, p.Thr1026Ile (NM_000339.3); c.3074C>T, p.Thr1025Ile (NM_001126107.2); short protein forms T1025I, T1026I, T1017I.
Identifiers: ClinVar variation 1458246 (VCV001458246.9), dbSNP rs769248531, ClinGen allele CA8070195.
Genomic context (GRCh38, chr16:56,913,389, plus strand): 5'-TGTCCCAGGACCTCAGACCTCCAGTCATCCTGATCCGAGGAAACCAGGAAAACGTGCTCA[C>T]CTTTTACTGCCAGTAACTCCAGGCTTTGACATCCCTGTCCACAGCTCTGAGTGTGTGGGA-3'
Protein context (NP_001119580.2, residues 1007-1021): LIRGNQENVL[Thr1017Ile]FYCQ